The following is an entry in ClinVar:

ClinVar aggregate classification (germline): Uncertain significance. Review status: criteria provided, single submitter (1 of 4 stars). 2 submissions from 2 submitters: Uncertain significance (1). 1 of the submissions does not count toward it. Last evaluated 2021-08-24.

Conditions:
Retinitis pigmentosa 12 (RP12). Also called: RP WITH OR WITHOUT PPRPE; RP WITH OR WITHOUT PRESERVED PARAARTERIOLE RETINAL PIGMENT EPITHELIUM; RETINITIS PIGMENTOSA WITH OR WITHOUT PARAARTERIOLAR PRESERVATION OF RETINAL PIGMENT EPITHELIUM. Identifiers: Orphanet 791, MedGen C1838647, MONDO:0010818, OMIM 600105.
Leber congenital amaurosis 8 (LCA8). Identifiers: Orphanet 65, MedGen C3151202, MONDO:0013453, OMIM 613835.
Leber congenital amaurosis (LCA). Also called: Leber's amaurosis. Identifiers: Orphanet 65, MedGen C0339527, MeSH D057130, MONDO:0018998.

Allele frequency attached by ClinVar (database versions not stated): gnomAD exomes below 0.00001.
gnomAD v4.1: 1 of 1,613,954 alleles (0.000062%); highest among the groups gnomAD compares: Non-Finnish European, 0.000085%; no homozygotes.

Submissions (2):

Labcorp Genetics (formerly Invitae), Labcorp
Classification: Uncertain significance for Leber congenital amaurosis 8; Retinitis pigmentosa 12. Last evaluated: 2021-08-24. Review status: criteria provided, single submitter. Criteria: Invitae Variant Classification Sherloc (09022015). Collection method: clinical testing. Allele origin: germline.
Comment: This sequence change replaces threonine with alanine at codon 759 of the CRB1 protein (p.Thr759Ala). The threonine residue is highly conserved and there is a small physicochemical difference between threonine and alanine. This variant is not present in population databases (ExAC no frequency). This variant has not been reported in the literature in individuals affected with CRB1-related conditions. Algorithms developed to predict the effect of missense changes on protein structure and function output the following: SIFT: "Deleterious"; PolyPhen-2: "Possibly Damaging"; Align-GVGD: "Class C55". The alanine amino acid residue is found in multiple mammalian species, which suggests that this missense change does not adversely affect protein function. In summary, the available evidence is currently insufficient to determine the role of this variant in disease. Therefore, it has been classified as a Variant of Uncertain Significance.

Natera, Inc.
Classification: Uncertain significance for Leber congenital amaurosis. Last evaluated: 2021-02-19. Review status: no assertion criteria provided. Collection method: clinical testing. Allele origin: germline. Not counted in ClinVar's aggregate classification.

NM_201253.3(CRB1):c.2275A>G (p.Thr759Ala)

Gene: CRB1 (crumbs cell polarity complex component 1; plus strand). Cytogenetic location: 1q31.3.
Variant type: single nucleotide variant.
Coding change: c.2275A>G on transcript NM_201253.3 (MANE Select); coding-DNA position 2275, A replaced by G.
Protein change: p.Thr759Ala; replaces threonine 759 with alanine.
Molecular consequence: missense variant. On other transcripts: non-coding transcript variant (2), intron variant (1).
Genome position (GRCh38, 1-based): chr1:197,427,600, A>G. VCF-style: chr1-197427600-A-G. GRCh37 (hg19) VCF-style: chr1-197396730-A-G.
Other names: c.1939A>G, p.Thr647Ala (NM_001193640.2); c.2068A>G, p.Thr690Ala (NM_001257965.2); c.2128+5644A>G (NM_001257966.2); short protein forms T647A, T690A, T759A.
Identifiers: ClinVar variation 943083 (VCV000943083.8), dbSNP rs1485086776, ClinGen allele CA344036876.